The following is an entry in ClinVar:

ClinVar aggregate classification (germline): Uncertain significance (1 of 4 stars; one submission).

Submission:

Labcorp Genetics (formerly Invitae), Labcorp
Classification: Uncertain significance. Last evaluated: 2022-06-28. Review status: criteria provided, single submitter. Criteria: Invitae Variant Classification Sherloc (09022015). Collection method: clinical testing. Allele origin: germline.
Comment: In summary, the available evidence is currently insufficient to determine the role of this variant in disease. Therefore, it has been classified as a Variant of Uncertain Significance. Experimental studies and prediction algorithms are not available or were not evaluated, and the functional significance of this variant is currently unknown. This variant has been observed in individual(s) with clinical features of CADASIL (Invitae). This variant is not present in population databases (gnomAD no frequency). This variant, c.533_535del, results in the deletion of 1 amino acid(s) of the HTRA1 protein (p.Lys178del), but otherwise preserves the integrity of the reading frame.

NM_002775.5(HTRA1):c.530AGA[1] (p.Lys178del)

Gene: HTRA1 (HtrA serine peptidase 1; plus strand). Cytogenetic location: 10q26.13.
Variant type: Microsatellite.
Coding change: c.530AGA[1] on transcript NM_002775.5 (MANE Select); one copy of the 3-base unit AGA starting at c.530; the reference has two copies in a row; one copy, 3 bases deleted.
Protein change: p.Lys178del; deletes lysine 178.
Molecular consequence: inframe deletion.
Genome position (GRCh38, 1-based): chr10:122,488,962-122,488,964, AGA deleted; deleting any 3 consecutive bases within chr10:122,488,959-122,488,964 gives the same sequence; the position shown is the placement nearest the transcript's 3' end. VCF-style (leftmost placement, unchanged base first): chr10-122488958-GAGA-G. GRCh37 (hg19) VCF-style: chr10-124248474-GAGA-G.
Other names: short protein forms K178del.
Identifiers: ClinVar variation 1426623 (VCV001426623.6), dbSNP rs2133438358, ClinGen allele CA2580616881.